The following is an entry in ClinVar:

NM_004656.4(BAP1):c.437+18G>A

Gene: BAP1 (BRCA1 associated deubiquitinase 1; minus strand). Cytogenetic location: 3p21.1.
Variant type: single nucleotide variant.
Coding change: c.437+18G>A on transcript NM_004656.4 (MANE Select); 18 bases into the intron after coding-DNA position 437, G replaced by A.
Molecular consequence: intron variant.
Genome position (GRCh38, 1-based): chr3:52,407,381, C>T on the plus strand (G>A on the coding strand, the complement: BAP1 is on the minus strand). VCF-style: chr3-52407381-C-T. GRCh37 (hg19) VCF-style: chr3-52441397-C-T.
Identifiers: ClinVar variation 490869 (VCV000490869.11), dbSNP rs1157072290, ClinGen allele CA658683359.

ClinVar aggregate classification (germline): Likely benign. Review status: criteria provided, multiple submitters, no conflicts (2 of 4 stars). 3 submissions from 3 submitters: Likely benign (3). Last evaluated 2025-11-25.

Conditions:
Hereditary cancer-predisposing syndrome. Also called: Hereditary Cancer Syndrome; Neoplastic Syndromes, Hereditary; Tumor predisposition; Hereditary neoplastic syndrome. Identifiers: Orphanet 140162, MedGen C0027672, MeSH D009386, MONDO:0015356.
BAP1-related tumor predisposition syndrome (TPDS1). Also called: Tumor susceptibility linked to germline BAP1 mutations; BAP1 tumor predisposition syndrome; COMMON Syndrome; TUMOR PREDISPOSITION SYNDROME 1. Identifiers: Orphanet 289539, MedGen C3280492, MONDO:0013692, OMIM 614327.

Allele frequency attached by ClinVar (database versions not stated): gnomAD exomes below 0.00001; gnomAD 0.00001; TOPMed 0.00001.
gnomAD v4.1: 17 of 1,613,790 alleles (0.0011%); highest among the groups gnomAD compares: Non-Finnish European, 0.0014%; no homozygotes.

Submissions (3):

Labcorp Genetics (formerly Invitae), Labcorp
Classification: Likely benign for BAP1-related tumor predisposition syndrome. Last evaluated: 2025-11-25. Review status: criteria provided, single submitter. Criteria: Invitae Variant Classification Sherloc (09022015). Collection method: clinical testing. Allele origin: germline.

GeneDx
Classification: Likely benign. Last evaluated: 2017-10-20. Review status: criteria provided, single submitter. Criteria: GeneDx Variant Classification (06012015). Collection method: clinical testing. Allele origin: germline. Affected: yes.
Comment: This variant is considered likely benign or benign based on one or more of the following criteria: it is a conservative change, it occurs at a poorly conserved position in the protein, it is predicted to be benign by multiple in silico algorithms, and/or has population frequency not consistent with disease.

Color Diagnostics, LLC DBA Color Health
Classification: Likely benign for Hereditary cancer-predisposing syndrome. Last evaluated: 2017-09-08. Review status: criteria provided, single submitter. Criteria: ACMG Guidelines, 2015. Collection method: clinical testing. Allele origin: germline.